The following is an entry in ClinVar:

ClinVar aggregate classification (germline): Uncertain significance (1 of 4 stars; one submission).

Conditions:
Congenital dyserythropoietic anemia, type II (CDAN2). Also called: DYSERYTHROPOIETIC ANEMIA, HEMPAS TYPE. Identifiers: Orphanet 98873, MedGen C1306589, MONDO:0009134, OMIM 224100.
Cowden syndrome 7 (CWS7). Identifiers: Orphanet 201, MedGen C4225179, MONDO:0014802, OMIM 616858.

Allele frequency attached by ClinVar (database versions not stated): ExAC 0.00001; gnomAD 0.00001; gnomAD exomes 0.00001; TOPMed 0.00001.
gnomAD v4.1: 9 of 1,608,360 alleles (0.00056%); highest among the groups gnomAD compares: South Asian, 0.0011%; no homozygotes.

Submission:

Labcorp Genetics (formerly Invitae), Labcorp
Classification: Uncertain significance for Congenital dyserythropoietic anemia, type II; Cowden syndrome 7. Last evaluated: 2026-01-05. Review status: criteria provided, single submitter. Criteria: Invitae Variant Classification Sherloc (09022015). Collection method: clinical testing. Allele origin: germline.
Comment: This sequence change replaces glutamine, which is neutral and polar, with proline, which is neutral and non-polar, at codon 113 of the SEC23B protein (p.Gln113Pro). This variant is present in population databases (rs770862419, gnomAD 0.003%). This variant has not been reported in the literature in individuals affected with SEC23B-related conditions. ClinVar contains an entry for this variant (Variation ID: 1925502). Invitae Evidence Modeling of protein sequence and biophysical properties (such as structural, functional, and spatial information, amino acid conservation, physicochemical variation, residue mobility, and thermodynamic stability) indicates that this missense variant is not expected to disrupt SEC23B protein function with a negative predictive value of 95%. In summary, the available evidence is currently insufficient to determine the role of this variant in disease. Therefore, it has been classified as a Variant of Uncertain Significance.

NM_006363.6(SEC23B):c.338A>C (p.Gln113Pro)

Gene: SEC23B (SEC23 homolog B, COPII component; plus strand). Cytogenetic location: 20p11.23.
Variant type: single nucleotide variant.
Coding change: c.338A>C on transcript NM_006363.6 (MANE Select); coding-DNA position 338, A replaced by C.
Protein change: p.Gln113Pro; replaces glutamine 113 with proline.
Molecular consequence: missense variant.
Genome position (GRCh38, 1-based): chr20:18,515,708, A>C. VCF-style: chr20-18515708-A-C. GRCh37 (hg19) VCF-style: chr20-18496352-A-C.
Other names: c.338A>C, p.Gln113Pro (NM_001172745.3, NM_001172746.3, NM_032985.6 and 1 more transcripts); short protein forms Q113P.
Identifiers: ClinVar variation 1925502 (VCV001925502.3), dbSNP rs770862419, ClinGen allele CA9778001.